The following is an entry in ClinVar:

NM_004434.3(EML1):c.136C>T (p.Gln46Ter)

Gene: EML1 (EMAP like 1; plus strand). Cytogenetic location: 14q32.2.
Variant type: single nucleotide variant.
Coding change: c.136C>T on transcript NM_004434.3 (MANE Select); coding-DNA position 136, C replaced by T.
Protein change: p.Gln46Ter; replaces glutamine 46 with a stop codon.
Molecular consequence: nonsense.
Genome position (GRCh38, 1-based): chr14:99,850,921, C>T. VCF-style: chr14-99850921-C-T. GRCh37 (hg19) VCF-style: chr14-100317258-C-T.
Other names: c.136C>T, p.Gln46Ter (NM_001008707.2, NM_001375412.1); c.97C>T, p.Gln33Ter (NM_001375411.1); short protein forms Q33*, Q46*.
Identifiers: ClinVar variation 1710368 (VCV001710368.3), dbSNP rs2548789633, ClinGen allele CA390962233.

ClinVar aggregate classification (germline): Likely pathogenic (1 of 4 stars; one submission).

Conditions:
Band heterotopia of brain. Also called: Band heterotopia. Identifiers: MedGen C4284594, MONDO:0010873, OMIM 600348.

Submission:

Greenwood Genetic Center Diagnostic Laboratories, Greenwood Genetic Center
Classification: Likely pathogenic for Band heterotopia of brain. Last evaluated: 2022-08-24. Review status: criteria provided, single submitter. Criteria: ACMG Guidelines, 2015. Collection method: clinical testing. Allele origin: germline. Affected: yes.
Comment: PVS1, PM2